The following is an entry in ClinVar:

NM_001130438.3(SPTAN1):c.1117C>T (p.Leu373Phe)

Gene: SPTAN1 (spectrin alpha, non-erythrocytic 1; plus strand). Cytogenetic location: 9q34.11.
Variant type: single nucleotide variant.
Coding change: c.1117C>T on transcript NM_001130438.3 (MANE Select); coding-DNA position 1117, C replaced by T.
Protein change: p.Leu373Phe; replaces leucine 373 with phenylalanine.
Molecular consequence: missense variant.
Genome position (GRCh38, 1-based): chr9:128,578,141, C>T. VCF-style: chr9-128578141-C-T. GRCh37 (hg19) VCF-style: chr9-131340420-C-T.
Other names: c.1153C>T, p.Leu385Phe (NM_001375318.1, NM_001438440.1, NM_001375312.2); c.1117C>T, p.Leu373Phe (NM_001438441.1, NM_001438442.1, NM_001438443.1 and 10 more transcripts); short protein forms L373F, L385F.
Identifiers: ClinVar variation 4779476 (VCV004779476.1).

ClinVar aggregate classification (germline): Uncertain significance (1 of 4 stars; one submission).

Conditions:
Early-infantile DEE. Also called: Early infantile epileptic encephalopathy with suppression bursts; Early infantile epileptic encephalopathy; Ohtahara syndrome. Identifiers: Orphanet 1934, MedGen C0393706, MONDO:0800491.

Submission:

Labcorp Genetics (formerly Invitae), Labcorp
Classification: Uncertain significance for Early-infantile DEE. Last evaluated: 2025-07-29. Review status: criteria provided, single submitter. Criteria: Invitae Variant Classification Sherloc (09022015). Collection method: clinical testing. Allele origin: germline.
Comment: This sequence change replaces leucine, which is neutral and non-polar, with phenylalanine, which is neutral and non-polar, at codon 373 of the SPTAN1 protein (p.Leu373Phe). This variant is not present in population databases (gnomAD no frequency). This variant has not been reported in the literature in individuals affected with SPTAN1-related conditions. Invitae Evidence Modeling of protein sequence and biophysical properties (such as structural, functional, and spatial information, amino acid conservation, physicochemical variation, residue mobility, and thermodynamic stability) has been performed for this missense variant. However, the output from this modeling did not meet the statistical confidence thresholds required to predict the impact of this variant on SPTAN1 protein function. In summary, the available evidence is currently insufficient to determine the role of this variant in disease. Therefore, it has been classified as a Variant of Uncertain Significance.